The following is an entry in ClinVar:

ClinVar aggregate classification (germline): Uncertain significance (1 of 4 stars; one submission).

Conditions:
Neuronal ceroid lipofuscinosis 1 (CLN1). Also called: CEROID LIPOFUSCINOSIS, NEURONAL, 1, VARIABLE AGE AT ONSET; PPT1-Related Neuronal Ceroid-Lipofuscinosis. Identifiers: Orphanet 228329, MedGen C1850451, MONDO:0009744, OMIM 256730.

Allele frequency attached by ClinVar (database versions not stated): gnomAD 0.00001.
gnomAD v4.1: 1 of 1,614,014 alleles (0.000062%); highest among the groups gnomAD compares: African/African-American, 0.0013%; no homozygotes.

Submission:

Labcorp Genetics (formerly Invitae), Labcorp
Classification: Uncertain significance for Neuronal ceroid lipofuscinosis 1. Last evaluated: 2022-09-01. Review status: criteria provided, single submitter. Criteria: Invitae Variant Classification Sherloc (09022015). Collection method: clinical testing. Allele origin: germline.
Comment: This variant has not been reported in the literature in individuals affected with PPT1-related conditions. This variant is not present in population databases (gnomAD no frequency). This sequence change replaces isoleucine, which is neutral and non-polar, with threonine, which is neutral and polar, at codon 137 of the PPT1 protein (p.Ile137Thr). Advanced modeling of protein sequence and biophysical properties (such as structural, functional, and spatial information, amino acid conservation, physicochemical variation, residue mobility, and thermodynamic stability) performed at Invitae indicates that this missense variant is expected to disrupt PPT1 protein function. In summary, the available evidence is currently insufficient to determine the role of this variant in disease. Therefore, it has been classified as a Variant of Uncertain Significance.

NM_000310.4(PPT1):c.410T>C (p.Ile137Thr)

Gene: PPT1 (palmitoyl-protein thioesterase 1; minus strand). Cytogenetic location: 1p34.2.
Variant type: single nucleotide variant.
Coding change: c.410T>C on transcript NM_000310.4 (MANE Select); coding-DNA position 410, T replaced by C.
Protein change: p.Ile137Thr; replaces isoleucine 137 with threonine.
Molecular consequence: missense variant. On other transcripts: intron variant (1).
Genome position (GRCh38, 1-based): chr1:40,091,352, A>G on the plus strand (T>C on the coding strand, the complement: PPT1 is on the minus strand). VCF-style: chr1-40091352-A-G. GRCh37 (hg19) VCF-style: chr1-40557024-A-G.
Other names: c.410T>C, p.Ile137Thr (NM_001363695.2); c.125-1840T>C (NM_001142604.2); short protein forms I137T.
Identifiers: ClinVar variation 2094108 (VCV002094108.4), dbSNP rs1649553228, ClinGen allele CA339848842.